The following is an entry in ClinVar:

ClinVar aggregate classification (germline): Uncertain significance (1 of 4 stars; one submission).

Submission:

GeneDx
Classification: Uncertain significance. Last evaluated: 2024-02-13. Review status: criteria provided, single submitter. Criteria: GeneDx Variant Classification Process June 2021. Collection method: clinical testing. Allele origin: germline. Affected: yes.
Comment: Not observed at significant frequency in large population cohorts (gnomAD); In silico analysis supports that this missense variant does not alter protein structure/function; Has not been previously published as pathogenic or benign to our knowledge

NM_001170629.2(CHD8):c.559G>A (p.Ala187Thr)

Gene: CHD8 (chromodomain helicase DNA binding protein 8; minus strand). Cytogenetic location: 14q11.2.
Variant type: single nucleotide variant.
Coding change: c.559G>A on transcript NM_001170629.2 (MANE Select); coding-DNA position 559, G replaced by A.
Protein change: p.Ala187Thr; replaces alanine 187 with threonine.
Molecular consequence: missense variant. On other transcripts: intron variant (1).
Genome position (GRCh38, 1-based): chr14:21,431,085, C>T on the plus strand (G>A on the coding strand, the complement: CHD8 is on the minus strand). VCF-style: chr14-21431085-C-T. GRCh37 (hg19) VCF-style: chr14-21899244-C-T.
Other names: c.6+726G>A (NM_020920.4); short protein forms A187T.
Identifiers: ClinVar variation 3369182 (VCV003369182.1).